The following is an entry in ClinVar:

NM_023110.3(FGFR1):c.899T>C (p.Ile300Thr)

Gene: FGFR1 (fibroblast growth factor receptor 1; minus strand). Cytogenetic location: 8p11.23.
Variant type: single nucleotide variant.
Coding change: c.899T>C on transcript NM_023110.3 (MANE Select); coding-DNA position 899, T replaced by C.
Protein change: p.Ile300Thr; replaces isoleucine 300 with threonine.
Molecular consequence: missense variant.
Genome position (GRCh38, 1-based): chr8:38,424,546, A>G on the plus strand (T>C on the coding strand, the complement: FGFR1 is on the minus strand). VCF-style: chr8-38424546-A-G. GRCh37 (hg19) VCF-style: chr8-38282064-A-G.
Other names: c.899T>C, p.Ile300Thr (NM_001174063.2); c.875T>C, p.Ile292Thr (NM_001174064.2); c.893T>C, p.Ile298Thr (NM_001174065.2, NM_001354367.2, NM_001354369.2 and 1 more transcripts); c.632T>C, p.Ile211Thr (NM_001174066.2, NM_023105.3); c.992T>C, p.Ile331Thr (NM_001174067.2); c.626T>C, p.Ile209Thr (NM_001354368.2, NM_001354370.2, NM_023106.3); short protein forms I300T, I331T, I209T, I211T, I292T, I298T.
Identifiers: ClinVar variation 16289 (VCV000016289.49), dbSNP rs121909633, ClinGen allele CA126355.

ClinVar aggregate classification (germline): Conflicting classifications of pathogenicity. Review status: criteria provided, conflicting classifications (1 of 4 stars). 14 submissions from 14 submitters: Uncertain significance (5); Likely benign (4). 5 of the submissions do not count toward it. Last evaluated 2026-08-01.

Conditions:
FGFR1-related disorder. Also called: FGFR1-related condition; FGFR1-related disorders. Identifiers: MedGen CN380097.
Encephalocraniocutaneous lipomatosis (ECCL). Identifiers: Orphanet 2396, MedGen C0406612, MONDO:0013074, OMIM 613001.
Jackson-Weiss syndrome (JWS). Also called: CRANIOSYNOSTOSIS, MIDFACIAL HYPOPLASIA, AND FOOT ABNORMALITIES. Identifiers: Orphanet 1540, MedGen C0795998, MONDO:0007400, OMIM 123150. Disease mechanism: loss of function.
Hypogonadotropic hypogonadism 2 with or without anosmia (HH2). Also called: HYPOGONADOTROPIC HYPOGONADISM 2 WITH OR WITHOUT ANOSMIA, SUSCEPTIBILITY TO; HYPOGONADOTROPIC HYPOGONADISM 2 WITHOUT ANOSMIA, SUSCEPTIBILITY TO; HYPOGONADOTROPIC HYPOGONADISM 2 WITHOUT ANOSMIA; FGFR1-Related GnRH Deficiency (Kallmann Syndrome 2). Identifiers: Orphanet 478, MedGen C1563720, MONDO:0007844, OMIM 147950. Disease mechanism: loss of function.
Osteoglophonic dysplasia (OGD). Also called: Osteoglophonic dwarfism. Identifiers: Orphanet 2645, MedGen C0432283, MONDO:0008150, OMIM 166250.
Hartsfield-Bixler-Demyer syndrome (HRTFDS). Also called: Hartsfield syndrome; Holoprosencephaly, ectrodactyly, and bilateral cleft lip/palate; FGFR1-Related Hartsfield Syndrome. Identifiers: Orphanet 2117, MedGen C1845146, MONDO:0014196, OMIM 615465. Disease mechanism: loss of function.
Trigonocephaly 1 (TRIGNO1). Identifiers: Orphanet 3366, MedGen C0432122, MONDO:0008603, OMIM 190440.
Pfeiffer syndrome (ACS5). Also called: ACS V. Identifiers: Orphanet 710, MedGen C0220658, MONDO:0007043, OMIM 101600.

Allele frequency attached by ClinVar (database versions not stated): 1000 Genomes Project 0.00020; gnomAD exomes 0.00029 and 0.00055; gnomAD 0.00040 and 0.00042; TOPMed 0.00032; 1000 Genomes Project 30x 0.00031; ExAC 0.00035.
gnomAD v4.1: 857 of 1,614,184 alleles (0.053%); highest among the groups gnomAD compares: Non-Finnish European, 0.069%; no homozygotes.

Submissions (14):

CeGaT Center for Human Genetics Tuebingen
Classification: Likely benign. Last evaluated: 2026-08-01. Review status: criteria provided, single submitter. Criteria: CeGaT Center For Human Genetics Tuebingen Variant Classification Criteria Version 2. Collection method: clinical testing. Allele origin: germline. Affected: yes. Observed: 3 variant alleles.
Comment: FGFR1: PP2, PS4:Supporting, BS1

Labcorp Genetics (formerly Invitae), Labcorp
Classification: Likely benign for Pfeiffer syndrome; Hypogonadotropic hypogonadism 2 with or without anosmia. Last evaluated: 2025-12-08. Review status: criteria provided, single submitter. Criteria: Invitae Variant Classification Sherloc (09022015). Collection method: clinical testing. Allele origin: germline.

Women's Health and Genetics/Laboratory Corporation of America, LabCorp
Classification: Likely benign. Last evaluated: 2025-05-13. Review status: criteria provided, single submitter. Criteria: LabCorp Variant Classification Summary - May 2015. Collection method: clinical testing. Allele origin: germline.
Comment: Variant summary: FGFR1 c.899T>C (p.Ile300Thr) results in a non-conservative amino acid change in the encoded protein sequence. Algorithms developed to predict the effect of missense changes on protein structure and function are either unavailable or do not agree on the potential impact of this missense change. The variant allele was found at a frequency of 0.00053 in 1614184 control chromosomes. It has been observed in multiple unaffected individuals through carrier screening and testing parents in exome sequencing, suggesting that this variant is not disease causing (Internal Data). c.899T>C has been reported in the literature in individuals with clinical presentations consistent with FGFR1-Related Disorders (e.g., Huang_2005, Hurley_2004, Kress_2000, Roscioli_2013). These report(s) do not provide unequivocal conclusions about association of the variant with FGFR1-Related Disorders. To our knowledge, no experimental evidence demonstrating an impact on protein function has been reported. The following publications have been ascertained in the context of this evaluation (PMID: 15793702, 14513299, 11173846, 24127277). ClinVar contains an entry for this variant (Variation ID: 16289). Based on the evidence outlined above, the variant was classified as likely benign.

Institute for Clinical Genetics, University Hospital TU Dresden, University Hospital TU Dresden
Classification: Uncertain significance. Last evaluated: 2021-11-03. Review status: criteria provided, single submitter. Criteria: ACMG Guidelines, 2015. Collection method: clinical testing. Allele origin: germline.

GeneDx
Classification: Likely benign. Last evaluated: 2019-06-07. Review status: criteria provided, single submitter. Criteria: GeneDx Variant Classification Process June 2021. Collection method: clinical testing. Allele origin: germline. Affected: yes.
Comment: In silico analysis, which includes protein predictors and evolutionary conservation, supports that this variant does not alter protein structure/function; This variant is associated with the following publications: (PMID: 16838304, 14513299, 19056490, 11173846, 24127277, 23329143, 27896051, 15793702)

Genomic Research Center, Shahid Beheshti University of Medical Sciences
Classification: Uncertain significance. Last evaluated: 2019-04-27. Review status: criteria provided, single submitter. Criteria: ACMG Guidelines, 2015. Collection method: clinical testing. Allele origin: unknown. Affected: no.

Fulgent Genetics
Classification: Uncertain significance for Pfeiffer syndrome; Jackson-Weiss syndrome; Hypogonadotropic hypogonadism 2 with or without anosmia; Osteoglophonic dysplasia; Trigonocephaly 1; Encephalocraniocutaneous lipomatosis; Hartsfield-Bixler-Demyer syndrome. Last evaluated: 2018-10-31. Review status: criteria provided, single submitter. Criteria: ACMG Guidelines, 2015. Collection method: clinical testing. Allele origin: unknown.

Center for Pediatric Genomic Medicine, Children's Mercy Hospital and Clinics
Classification: Uncertain significance. Last evaluated: 2017-06-26. Review status: criteria provided, single submitter. Criteria: ACMG Guidelines, 2015. Collection method: clinical testing. Allele origin: germline.

Genetic Services Laboratory, University of Chicago
Classification: Uncertain significance. Last evaluated: 2016-03-15. Review status: criteria provided, single submitter. Criteria: ACMG Guidelines, 2015. Collection method: clinical testing. Allele origin: germline. Affected: no.

PreventionGenetics, part of Exact Sciences
Classification: Likely benign for FGFR1-related condition. Last evaluated: 2023-12-08. Review status: no assertion criteria provided. Collection method: clinical testing. Allele origin: germline. Not counted in ClinVar's aggregate classification.
Comment: This variant is classified as likely benign based on ACMG/AMP sequence variant interpretation guidelines (Richards et al. 2015 PMID: 25741868, with internal and published modifications).

OMIM
Classification: Pathogenic for TRIGONOCEPHALY 1. Last evaluated: 2005-05-01. Review status: no assertion criteria provided. Collection method: literature only. Allele origin: germline. Not counted in ClinVar's aggregate classification.

Clinical Genetics DNA and cytogenetics Diagnostics Lab, Erasmus MC, Erasmus Medical Center
Classification: Likely benign. Review status: no assertion criteria provided. Collection method: clinical testing. Allele origin: germline. Affected: yes. Study: VKGL Data-share Consensus. Not counted in ClinVar's aggregate classification.

Department of Pathology and Laboratory Medicine, Sinai Health System
Classification: Uncertain significance. Review status: no assertion criteria provided. Collection method: clinical testing. Allele origin: unknown. Affected: yes. Study: The Canadian Open Genetics Repository (COGR). Not counted in ClinVar's aggregate classification.
Comment: The FGFR1 p.Ile300Thr variant was identified in 1 of 10 patients with trigonocephaly but was not identified in 300 control chromosomes (Kress_2000_PMID: 11173846). The variant was also reported in 1 of 32 Antley-Bixler syndrome patients, however the patient with this variant was also compound heterozygous for two suspected pathogenic variants in the POR gene (Huang_2005_PMID: 15793702). The variant was identified in dbSNP (ID: rs121909633) and ClinVar (classified as uncertain significance by Fulgent Genetics, Children's Mercy Hospital, University of Chicago, and Shahid Beheshti University of Medical Sciences). The variant was identified in control databases in 84 of 280990 chromosomes at a frequency of 0.0002989 (Genome Aggregation Database March 6, 2019, v2.1.1). The variant was observed in the following populations: European (non-Finnish) in 78 of 128708 chromosomes (freq: 0.000606), Other in 3 of 7152 chromosomes (freq: 0.00042), African in 2 of 24216 chromosomes (freq: 0.000083) and East Asian in 1 of 19538 chromosomes (freq: 0.000051), but was not observed in the Latino, Ashkenazi Jewish, European (Finnish), or South Asian populations. The p.Ile300 residue is conserved in mammals but not in more distantly related organisms however four out of five computational analyses (PolyPhen-2, SIFT, AlignGVGD, BLOSUM, MutationTaster) do not suggest a high likelihood of impact to the protein; this information is not predictive enough to rule out pathogenicity. The variant occurs outside of the splicing consensus sequence and in silico or computational prediction software programs (SpliceSiteFinder, MaxEntScan, NNSPLICE, GeneSplicer) do not predict a difference in splicing. In summary, based on the above information the clinical significance of this variant cannot be determined with certainty at this time. This variant is classified as a variant of uncertain significance.

Joint Genome Diagnostic Labs from Nijmegen and Maastricht, Radboudumc and MUMC+
Classification: Likely benign. Review status: no assertion criteria provided. Collection method: clinical testing. Allele origin: germline. Affected: yes. Study: VKGL Data-share Consensus. Not counted in ClinVar's aggregate classification.

Literature cited by the submitters: PubMed 24127277 (cited by Women's Health and Genetics/Laboratory Corporation of America, LabCorp); PubMed 15793702 (cited by Women's Health and Genetics/Laboratory Corporation of America, LabCorp and OMIM); PubMed 14513299 (cited by Women's Health and Genetics/Laboratory Corporation of America, LabCorp and OMIM); PubMed 11173846 (cited by Women's Health and Genetics/Laboratory Corporation of America, LabCorp and OMIM).